The following is an entry in ClinVar:

NM_004204.5(PIGQ):c.1102C>A (p.His368Asn)

Gene: PIGQ (phosphatidylinositol glycan anchor biosynthesis class Q; plus strand). Cytogenetic location: 16p13.3.
Variant type: single nucleotide variant.
Coding change: c.1102C>A on transcript NM_004204.5 (MANE Select); coding-DNA position 1102, C replaced by A.
Protein change: p.His368Asn; replaces histidine 368 with asparagine.
Molecular consequence: missense variant.
Genome position (GRCh38, 1-based): chr16:578,817, C>A. VCF-style: chr16-578817-C-A. GRCh37 (hg19) VCF-style: chr16-628817-C-A.
Other names: c.1102C>A, p.His368Asn (NM_148920.4); short protein forms H368N.
Identifiers: ClinVar variation 4685194 (VCV004685194.1).

ClinVar aggregate classification (germline): Uncertain significance (1 of 4 stars; one submission).

Submission:

GeneDx
Classification: Uncertain significance. Last evaluated: 2025-07-09. Review status: criteria provided, single submitter. Criteria: GeneDx Variant Classification Process June 2021. Collection method: clinical testing. Allele origin: germline. Affected: yes.
Comment: Not observed at significant frequency in large population cohorts (gnomAD); In silico analysis supports that this missense variant has a deleterious effect on protein structure/function; Has not been previously published as pathogenic or benign to our knowledge